The following is an entry in ClinVar:

NM_001135649.3(FOXI3):c.1019T>G (p.Leu340Arg)

Gene: FOXI3 (forkhead box I3; minus strand). Cytogenetic location: 2p11.2.
Variant type: single nucleotide variant.
Coding change: c.1019T>G on transcript NM_001135649.3 (MANE Select); coding-DNA position 1019, T replaced by G.
Protein change: p.Leu340Arg; replaces leucine 340 with arginine.
Molecular consequence: missense variant.
Genome position (GRCh38, 1-based): chr2:88,448,451, A>C on the plus strand (T>G on the coding strand, the complement: FOXI3 is on the minus strand). VCF-style: chr2-88448451-A-C. GRCh37 (hg19) VCF-style: chr2-88747970-A-C.
Other names: short protein forms L340R.
Identifiers: ClinVar variation 2803192 (VCV002803192.3), dbSNP rs773079534, ClinGen allele CA347764783.
Genomic context (GRCh38, chr2:88,448,451, plus strand): 5'-TCTGAGATGGAGGTCGGGGAGAACACGCCGCTGGAGGGCAGCTGGGCCCCCTGGATCCCT[A>C]GGTGGCGGCTGCCAGGGAGAGCCCGCTGGGTACTCACACTGCTGCTGACACTCAAGGAGC-3'
Protein context (NP_001129121.1, residues 330-350): TQRALPGSRH[Leu340Arg]GIQGAQLPSS

ClinVar aggregate classification (germline): Uncertain significance (1 of 4 stars; one submission).

Allele frequency attached by ClinVar (database versions not stated): TOPMed below 0.00001.

Submission:

Labcorp Genetics (formerly Invitae), Labcorp
Classification: Uncertain significance. Last evaluated: 2024-01-04. Review status: criteria provided, single submitter. Criteria: Invitae Variant Classification Sherloc (09022015). Collection method: clinical testing. Allele origin: germline.
Comment: This sequence change replaces leucine, which is neutral and non-polar, with arginine, which is basic and polar, at codon 340 of the FOXI3 protein (p.Leu340Arg). This variant is not present in population databases (gnomAD no frequency). This variant has not been reported in the literature in individuals affected with FOXI3-related conditions. Experimental studies and prediction algorithms are not available or were not evaluated, and the functional significance of this variant is currently unknown. In summary, the available evidence is currently insufficient to determine the role of this variant in disease. Therefore, it has been classified as a Variant of Uncertain Significance.